The following is an entry in ClinVar:

ClinVar aggregate classification (germline): Likely pathogenic (1 of 4 stars; one submission).

Conditions:
Hypohidrotic X-linked ectodermal dysplasia (XHED). Also called: ECTODERMAL DYSPLASIA, HYPOHIDROTIC, 1; CST SYNDROME; Ectodermal Dysplasia 1, Anhidrotic; Christ-Siemans-Touraine syndrome; ECTODERMAL DYSPLASIA 1; Anhidrotic ectodermal dysplasia X-linked. Identifiers: Orphanet 181, Orphanet 238468, MedGen C0162359, MONDO:0010585, OMIM 305100.

Submission:

Greenwood Genetic Center Diagnostic Laboratories, Greenwood Genetic Center
Classification: Likely pathogenic for Hypohidrotic X-linked ectodermal dysplasia. Last evaluated: 2024-05-23. Review status: criteria provided, single submitter. Criteria: ACMG Guidelines, 2015. Collection method: clinical testing. Allele origin: germline. Affected: yes.
Comment: PS4_Supporting, PM2, PM1, PP3

NM_001399.5(EDA):c.769G>A (p.Gly257Arg)

Gene: EDA (ectodysplasin A; plus strand). Cytogenetic location: Xq13.1.
Variant type: single nucleotide variant.
Coding change: c.769G>A on transcript NM_001399.5 (MANE Select); coding-DNA position 769, G replaced by A.
Protein change: p.Gly257Arg; replaces glycine 257 with arginine.
Molecular consequence: missense variant.
Genome position (GRCh38, 1-based): chrX:70,030,496, G>A. VCF-style: chrX-70030496-G-A. GRCh37 (hg19) VCF-style: chrX-69250346-G-A.
Other names: c.769G>A, p.Gly257Arg (NM_001005609.2, NM_001005612.3); short protein forms G257R.
Identifiers: ClinVar variation 3338522 (VCV003338522.1).
Genomic context (GRCh38, chrX:70,030,496, plus strand): 5'-AGTGACTACTCTCTATCCTTCTCATCCTGCCAGCCAGCTGTGGTGCATCTACAGGGCCAA[G>A]GGTCAGCAATTCAAGTCAAGAATGGTAAGAATCAAAATAGGCTCTCTCCCAAAGAGGAGC-3'
Protein context (NP_001390.1, residues 247-267): QPAVVHLQGQ[Gly257Arg]SAIQVKNDLS